The following is an entry in ClinVar:

NM_001165963.4(SCN1A):c.1641G>T (p.Lys547Asn)

Gene: SCN1A (sodium voltage-gated channel alpha subunit 1; minus strand). Cytogenetic location: 2q24.3.
Variant type: single nucleotide variant.
Coding change: c.1641G>T on transcript NM_001165963.4 (MANE Select); coding-DNA position 1641, G replaced by T.
Protein change: p.Lys547Asn; replaces lysine 547 with asparagine.
Molecular consequence: missense variant. On other transcripts: 5 prime UTR variant (1), non-coding transcript variant (1).
Genome position (GRCh38, 1-based): chr2:166,045,064, C>A on the plus strand (G>T on the coding strand, the complement: SCN1A is on the minus strand). VCF-style: chr2-166045064-C-A. GRCh37 (hg19) VCF-style: chr2-166901574-C-A.
Other names: c.1641G>T, p.Lys547Asn (NM_001165964.3, NM_001202435.3, NM_001353948.2 and 7 more transcripts); c.1638G>T, p.Lys546Asn (NM_001353954.2, NM_001353955.2, NM_001353960.2); c.-785G>T (NM_001353961.2); short protein forms K546N, K547N.
Identifiers: ClinVar variation 1189857 (VCV001189857.8), dbSNP rs550770894, ClinGen allele CA1943282.
Genomic context (GRCh38, chr2:166,045,064, plus strand): 5'-ATTTTCAACCATGCATCAGTAAACTCAGCAGTGCCATACCTGGTGTGGGGAGGAGTACCT[C>A]TTTTCATATGTCAATCGGTTCCCTTCAATGGAGAAGCGAAAACCTTTCCTCCTGATGCTG-3'
Protein context (NP_001159435.1, residues 537-557): SIEGNRLTYE[Lys547Asn]RYSSPHQSLL

ClinVar aggregate classification (germline): Conflicting classifications of pathogenicity. Review status: criteria provided, conflicting classifications (1 of 4 stars). 3 submissions from 3 submitters: Uncertain significance (2); Benign (1). Last evaluated 2025-12-08.

Conditions:
Inborn genetic diseases. Identifiers: MedGen C0950123, MeSH D030342.
Early-infantile DEE. Also called: Ohtahara syndrome; Early infantile epileptic encephalopathy with suppression bursts; Early infantile epileptic encephalopathy. Identifiers: Orphanet 1934, MedGen C0393706, MONDO:0800491.

Allele frequency attached by ClinVar (database versions not stated): gnomAD exomes 0.00001; ExAC 0.00002; gnomAD 0.00002 and 0.00003; TOPMed 0.00004; 1000 Genomes Project 0.00020; 1000 Genomes Project 30x 0.00031.
gnomAD v4.1: 5 of 1,614,166 alleles (0.00031%); highest among the groups gnomAD compares: African/African-American, 0.004%; no homozygotes.

Submissions (3):

Ambry Genetics
Classification: Uncertain significance for Inborn genetic diseases. Last evaluated: 2025-12-08. Review status: criteria provided, single submitter. Criteria: Ambry Variant Classification Scheme 2023. Collection method: clinical testing. Allele origin: germline.

Labcorp Genetics (formerly Invitae), Labcorp
Classification: Benign for Early-infantile DEE. Last evaluated: 2025-07-13. Review status: criteria provided, single submitter. Criteria: Invitae Variant Classification Sherloc (09022015). Collection method: clinical testing. Allele origin: germline.

GeneDx
Classification: Uncertain significance. Last evaluated: 2020-02-04. Review status: criteria provided, single submitter. Criteria: GeneDx Variant Classification Process June 2021. Collection method: clinical testing. Allele origin: germline. Affected: yes.
Comment: Missense variants in this gene are often considered pathogenic (Stenson et al., 2014); In silico analysis supports that this missense variant has a deleterious effect on protein structure/function; Has not been previously published as pathogenic or benign to our knowledge; This substitution is predicted to be in the cytoplasmic loop between the first and second homologous domains